The following is an entry in ClinVar:

NM_000458.4(HNF1B):c.694C>T (p.Arg232Cys)

Genes: HNF1B (HNF1 homeobox B; minus strand), LOC126862549 (BRD4-independent group 4 enhancer GRCh37_chr17:36093401-36094600; plus strand). Cytogenetic location: 17q12.
Variant type: single nucleotide variant.
Coding change: c.694C>T on transcript NM_000458.4 (MANE Select); coding-DNA position 694, C replaced by T.
Protein change: p.Arg232Cys; replaces arginine 232 with cysteine.
Molecular consequence: missense variant.
Genome position (GRCh38, 1-based): chr17:37,733,672, G>A on the plus strand (C>T on the coding strand, the complement: HNF1B is on the minus strand). VCF-style: chr17-37733672-G-A. GRCh37 (hg19) VCF-style: chr17-36093665-G-A.
Other names: c.616C>T, p.Arg206Cys (NM_001165923.4, NM_001304286.2); c.694C>T, p.Arg232Cys (NM_001411100.1); short protein forms R206C, R232C.
Identifiers: ClinVar variation 2979974 (VCV002979974.4), dbSNP rs766793933, ClinGen allele CA398748685.

ClinVar aggregate classification (germline): Uncertain significance. Review status: criteria provided, multiple submitters, no conflicts (2 of 4 stars). 2 submissions from 2 submitters: Uncertain significance (2). Last evaluated 2024-03-15.

Conditions:
Renal cysts and diabetes syndrome (RCAD). Also called: Familial hypoplastic, glomerulocystic kidney; MATURITY-ONSET DIABETES OF THE YOUNG, TYPE 5. Identifiers: Orphanet 93111, MedGen C0431693, MONDO:0007669, OMIM 137920.
Nonpapillary renal cell carcinoma. Identifiers: Orphanet 422526, MedGen CN074294, MONDO:0007763, OMIM 144700.
Type 2 diabetes mellitus. Also called: Type II diabetes mellitus. Identifiers: MedGen C0011860, MeSH D003924, MONDO:0005148, OMIM 125853, HP:0005978.

Submissions (2):

Fulgent Genetics
Classification: Uncertain significance for Type 2 diabetes mellitus; Renal cysts and diabetes syndrome; Nonpapillary renal cell carcinoma. Last evaluated: 2024-03-15. Review status: criteria provided, single submitter. Criteria: ACMG Guidelines, 2015. Collection method: clinical testing. Allele origin: germline.

Labcorp Genetics (formerly Invitae), Labcorp
Classification: Uncertain significance. Last evaluated: 2023-11-11. Review status: criteria provided, single submitter. Criteria: Invitae Variant Classification Sherloc (09022015). Collection method: clinical testing. Allele origin: germline.
Comment: This sequence change replaces arginine, which is basic and polar, with cysteine, which is neutral and slightly polar, at codon 232 of the HNF1B protein (p.Arg232Cys). This variant is not present in population databases (gnomAD no frequency). This missense change has been observed in individual(s) with clinical features of HNF1B-related nephropathy (PMID: 30666461). Advanced modeling of protein sequence and biophysical properties (such as structural, functional, and spatial information, amino acid conservation, physicochemical variation, residue mobility, and thermodynamic stability) performed at Invitae indicates that this missense variant is not expected to disrupt HNF1B protein function with a negative predictive value of 80%. In summary, the available evidence is currently insufficient to determine the role of this variant in disease. Therefore, it has been classified as a Variant of Uncertain Significance.

Literature cited by the submitters: PubMed 30666461 (cited by Labcorp Genetics (formerly Invitae), Labcorp).